The following is an entry in ClinVar:

ClinVar aggregate classification (germline): Benign/Likely benign. Review status: criteria provided, multiple submitters, no conflicts (2 of 4 stars). 12 submissions from 11 submitters: Benign (6); Likely benign (3). 3 of the submissions do not count toward it. Last evaluated 2026-04-01.

Conditions:
Hereditary cancer-predisposing syndrome. Also called: Neoplastic Syndromes, Hereditary; Tumor predisposition; Hereditary Cancer Syndrome; Hereditary neoplastic syndrome. Identifiers: Orphanet 140162, MedGen C0027672, MeSH D009386, MONDO:0015356.
Nijmegen breakage syndrome-like disorder (NBSLD). Also called: MICROCEPHALY AND SPONTANEOUS CHROMOSOME INSTABILITY WITHOUT IMMUNODEFICIENCY; NBS-LIKE DISORDER; RAD50 DEFICIENCY. Identifiers: Orphanet 240760, MedGen C2751318, MONDO:0013118, OMIM 613078.
Familial cancer of breast. Also called: BREAST CANCER, FAMILIAL; Hereditary breast cancer; hereditary breast carcinoma. Identifiers: Orphanet 227535, MedGen C0346153, MONDO:0016419, OMIM 114480. Disease mechanism: loss of function.

Allele frequency attached by ClinVar (database versions not stated): gnomAD exomes 0.00041 and 0.00109; ExAC 0.00145; gnomAD 0.00407 and 0.00422; ESP Exome Variant Server 0.00420; TOPMed 0.00534; 1000 Genomes Project 0.00719; 1000 Genomes Project 30x 0.00843.
gnomAD v4.1: 1,269 of 1,611,174 alleles (0.079%); highest among the groups gnomAD compares: African/African-American, 1.2%; 10 homozygotes.

Submissions (12):

CeGaT Center for Human Genetics Tuebingen
Classification: Likely benign. Last evaluated: 2026-04-01. Review status: criteria provided, single submitter. Criteria: CeGaT Center For Human Genetics Tuebingen Variant Classification Criteria Version 2. Collection method: clinical testing. Allele origin: germline. Affected: yes. Observed: 8 variant alleles.
Comment: RAD50: BP4, BP7, BS1

Labcorp Genetics (formerly Invitae), Labcorp
Classification: Benign for Hereditary cancer-predisposing syndrome. Last evaluated: 2026-01-26. Review status: criteria provided, single submitter. Criteria: Invitae Variant Classification Sherloc (09022015). Collection method: clinical testing. Allele origin: germline.

Quest Diagnostics Nichols Institute San Juan Capistrano
Classification: Benign. Last evaluated: 2025-09-08. Review status: criteria provided, single submitter. Criteria: Quest Diagnostics criteria. Collection method: clinical testing. Allele origin: unknown.

KCCC/NGS Laboratory, Kuwait Cancer Control Center
Classification: Benign for Nijmegen breakage syndrome-like disorder. Last evaluated: 2025-02-01. Review status: criteria provided, single submitter. Criteria: ACMG Guidelines, 2015. Collection method: clinical testing. Allele origin: germline. Affected: no.

KCCC/NGS Laboratory, Kuwait Cancer Control Center
Classification: Benign for Familial cancer of breast. Last evaluated: 2023-07-07. Review status: criteria provided, single submitter. Criteria: ACMG Guidelines, 2015. Collection method: clinical testing. Allele origin: germline. Affected: yes.

Women's Health and Genetics/Laboratory Corporation of America, LabCorp
Classification: Benign. Last evaluated: 2017-11-20. Review status: criteria provided, single submitter. Criteria: LabCorp Variant Classification Summary - May 2015. Collection method: clinical testing. Allele origin: germline.
Comment: Variant summary: The RAD50 c.2910C>T (p.Asp970Asp) variant involves the alteration of a non-conserved nucleotide, resulting in a synonymous change. One in silico tool predicts a damaging outcome for this variant. 5/5 splice prediction tools predict no significant impact on normal splicing. ESE finder predicts that this variant may affect multiple ESE sites. However, these predictions have yet to be confirmed by functional studies. This variant was found in 407/275472 control chromosomes at a frequency of 0.0014775, which is approximately 24 times the estimated maximal expected allele frequency of a pathogenic RAD50 variant (0.0000625), suggesting this variant is likely a benign polymorphism. In addition, multiple clinical diagnostic laboratories/reputable databases classified this variant as benign/likely benign. Taken together, this variant is classified as benign.

GeneDx
Classification: Benign. Last evaluated: 2015-03-03. Review status: criteria provided, single submitter. Criteria: GeneDx Variant Classification Process June 2021. Collection method: clinical testing. Allele origin: germline. Affected: yes.

Ambry Genetics
Classification: Likely benign for Hereditary cancer-predisposing syndrome. Last evaluated: 2014-09-18. Review status: criteria provided, single submitter. Criteria: Ambry Variant Classification Scheme 2023. Collection method: clinical testing. Allele origin: germline.

Breakthrough Genomics
Classification: Likely benign. Review status: criteria provided, single submitter. Criteria: ACMG Guidelines, 2015. Collection method: not provided. Allele origin: germline. Inheritance: Autosomal recessive inheritance. Affected: yes.

Counsyl
Classification: Benign for Nijmegen breakage syndrome-like disorder. Last evaluated: 2016-06-03. Review status: no assertion criteria provided. Collection method: clinical testing. Allele origin: unknown. Not counted in ClinVar's aggregate classification.

Clinical Genetics DNA and cytogenetics Diagnostics Lab, Erasmus MC, Erasmus Medical Center
Classification: Benign. Review status: no assertion criteria provided. Collection method: clinical testing. Allele origin: germline. Affected: yes. Study: VKGL Data-share Consensus. Not counted in ClinVar's aggregate classification.

Genome Diagnostics Laboratory, Amsterdam University Medical Center
Classification: Benign. Review status: no assertion criteria provided. Collection method: clinical testing. Allele origin: germline. Affected: yes. Study: VKGL Data-share Consensus. Not counted in ClinVar's aggregate classification.

Literature cited by the submitters: PubMed 26787654 (cited by Quest Diagnostics Nichols Institute San Juan Capistrano and Women's Health and Genetics/Laboratory Corporation of America, LabCorp); PubMed 24894818 (cited by Quest Diagnostics Nichols Institute San Juan Capistrano and Women's Health and Genetics/Laboratory Corporation of America, LabCorp).

NM_005732.4(RAD50):c.2910C>T (p.Asp970=)

Gene: RAD50 (RAD50 double strand break repair protein; plus strand). Cytogenetic location: 5q31.1.
Variant type: single nucleotide variant.
Coding change: c.2910C>T on transcript NM_005732.4 (MANE Select); coding-DNA position 2910, C replaced by T.
Protein change: p.Asp970=; no amino-acid change (aspartic acid 970 retained).
Molecular consequence: synonymous variant.
Genome position (GRCh38, 1-based): chr5:132,609,197, C>T. VCF-style: chr5-132609197-C-T. GRCh37 (hg19) VCF-style: chr5-131944889-C-T.
Identifiers: ClinVar variation 37385 (VCV000037385.49), dbSNP rs148269640, ClinGen allele CA260629.